The following is an entry in ClinVar:

NM_014921.5(ADGRL1):c.613C>T (p.Arg205Cys)

Genes: ADGRL1 (adhesion G protein-coupled receptor L1; minus strand), ADGRL1-AS1 (ADGRL1 antisense RNA 1; plus strand). Cytogenetic location: 19p13.12.
Variant type: single nucleotide variant.
Coding change: c.613C>T on transcript NM_014921.5 (MANE Select); coding-DNA position 613, C replaced by T.
Protein change: p.Arg205Cys; replaces arginine 205 with cysteine.
Molecular consequence: missense variant.
Genome position (GRCh38, 1-based): chr19:14,163,188, G>A on the plus strand (C>T on the coding strand, the complement: ADGRL1 is on the minus strand). VCF-style: chr19-14163188-G-A. GRCh37 (hg19) VCF-style: chr19-14274000-G-A.
Other names: c.628C>T, p.Arg210Cys (NM_001008701.3); short protein forms R205C, R210C.
Identifiers: ClinVar variation 4853066 (VCV004853066.1).

ClinVar aggregate classification (germline): Uncertain significance (1 of 4 stars; one submission).

gnomAD v4.1: 12 of 1,614,034 alleles (0.00074%); highest among the groups gnomAD compares: East Asian, 0.0022%; no homozygotes.

Submission:

Women's Health and Genetics/Laboratory Corporation of America, LabCorp
Classification: Uncertain significance. Last evaluated: 2026-05-14. Review status: criteria provided, single submitter. Criteria: LabCorp Variant Classification Summary - May 2015. Collection method: clinical testing. Allele origin: germline.
Comment: Variant summary: ADGRL1 c.628C>T (p.Arg210Cys) results in a non-conservative amino acid change in the encoded protein sequence. Algorithms developed to predict the effect of missense changes on protein structure and function all suggest that this variant is likely to be disruptive. The variant allele was found at a frequency of 1.6e-05 in 251184 control chromosomes. The available data on variant occurrences in the general population are insufficient to allow any conclusion about variant significance. To our knowledge, no occurrence of c.628C>T in individuals affected with ADGRL1-related conditions and no experimental evidence demonstrating its impact on protein function have been reported. No submitters have cited clinical-significance assessments for this variant to ClinVar. Based on the evidence outlined above, the variant was classified as uncertain significance.